The following is an entry in ClinVar:

NM_000166.6(GJB1):c.413G>A (p.Ser138Asn)

Gene: GJB1 (gap junction protein beta 1; plus strand). Cytogenetic location: Xq13.1.
Variant type: single nucleotide variant.
Coding change: c.413G>A on transcript NM_000166.6 (MANE Select); coding-DNA position 413, G replaced by A.
Protein change: p.Ser138Asn; replaces serine 138 with asparagine.
Molecular consequence: missense variant.
Genome position (GRCh38, 1-based): chrX:71,224,120, G>A. VCF-style: chrX-71224120-G-A. GRCh37 (hg19) VCF-style: chrX-70443970-G-A.
Other names: c.413G>A, p.Ser138Asn (NM_001097642.3); short protein forms S138N.
Identifiers: ClinVar variation 637605 (VCV000637605.7), dbSNP rs1602349322, ClinGen allele CA413502291.
Genomic context (GRCh38, chrX:71,224,120, plus strand): 5'-AGGAGGTGAAGAGGCACAAGGTCCACATCTCAGGGACACTGTGGTGGACCTATGTCATCA[G>A]CGTGGTGTTCCGGCTGTTGTTTGAGGCCGTCTTCATGTATGTCTTTTATCTGCTCTACCC-3'
Protein context (NP_000157.1, residues 128-148): SGTLWWTYVI[Ser138Asn]VVFRLLFEAV

ClinVar aggregate classification (germline): Uncertain significance. Review status: criteria provided, multiple submitters, no conflicts (2 of 4 stars). 3 submissions from 3 submitters: Uncertain significance (2). 1 of the submissions does not count toward it. Last evaluated 2023-12-08.

Conditions:
Charcot-Marie-Tooth Neuropathy X. Identifiers: MedGen CN118851.
Charcot-Marie-Tooth disease. Also called: Charcot-Marie-Tooth Hereditary Neuropathy; Charcot-Marie-Tooth Neuropathy. Identifiers: Orphanet 166, MedGen C0007959, MONDO:0015626.
Charcot-Marie-Tooth disease X-linked dominant 1. Also called: Charcot-Marie-Tooth Neuropathy X Type 1; X-linked Charcot-Marie-Tooth disease type 1; GJB1 Disorders: Charcot-Marie-Tooth Neuropathy (CMT1X) and Central Nervous System Phenotypes; CHARCOT-MARIE-TOOTH NEUROPATHY, X-LINKED, 1; CHARCOT-MARIE-TOOTH PERONEAL MUSCULAR ATROPHY, X-LINKED; HEREDITARY MOTOR AND SENSORY NEUROPATHY, X-LINKED. Identifiers: Orphanet 101075, MedGen C0393808, MONDO:0010549, OMIM 302800.

Submissions (3):

Labcorp Genetics (formerly Invitae), Labcorp
Classification: Uncertain significance for Charcot-Marie-Tooth Neuropathy X. Last evaluated: 2023-12-08. Review status: criteria provided, single submitter. Criteria: Invitae Variant Classification Sherloc (09022015). Collection method: clinical testing. Allele origin: germline.
Comment: This sequence change replaces serine, which is neutral and polar, with asparagine, which is neutral and polar, at codon 138 of the GJB1 protein (p.Ser138Asn). This variant is not present in population databases (gnomAD no frequency). This missense change has been observed in individual(s) with clinical features of GJB1-related conditions (PMID: 12497641; Invitae). ClinVar contains an entry for this variant (Variation ID: 637605). Advanced modeling of protein sequence and biophysical properties (such as structural, functional, and spatial information, amino acid conservation, physicochemical variation, residue mobility, and thermodynamic stability) has been performed at Invitae for this missense variant, however the output from this modeling did not meet the statistical confidence thresholds required to predict the impact of this variant on GJB1 protein function. This variant disrupts the p.Ser138 amino acid residue in GJB1. Other variant(s) that disrupt this residue have been determined to be pathogenic (PMID: 21692908). This suggests that this residue is clinically significant, and that variants that disrupt this residue are likely to be disease-causing. In summary, the available evidence is currently insufficient to determine the role of this variant in disease. Therefore, it has been classified as a Variant of Uncertain Significance.

Revvity Omics, Revvity
Classification: Uncertain significance for Charcot-Marie-Tooth disease X-linked dominant 1. Last evaluated: 2022-07-26. Review status: criteria provided, single submitter. Criteria: ACMG Guidelines, 2015. Collection method: clinical testing. Allele origin: germline.

Inherited Neuropathy Consortium
Classification: Uncertain significance for Charcot-Marie-Tooth disease. Review status: no assertion criteria provided. Collection method: literature only. Allele origin: germline. Affected: yes. Not counted in ClinVar's aggregate classification.

Literature cited by the submitters: PubMed 12497641 (cited by Labcorp Genetics (formerly Invitae), Labcorp and Inherited Neuropathy Consortium); PubMed 21692908 (cited by Labcorp Genetics (formerly Invitae), Labcorp).